The following is an entry in ClinVar:

ClinVar aggregate classification (germline): Uncertain significance (1 of 4 stars; one submission).

gnomAD v4.1: 3 of 1,614,160 alleles (0.00019%); highest among the groups gnomAD compares: Admixed American, 0.0033%; no homozygotes.

Submission:

Labcorp Genetics (formerly Invitae), Labcorp
Classification: Uncertain significance. Last evaluated: 2022-05-06. Review status: criteria provided, single submitter. Criteria: Invitae Variant Classification Sherloc (09022015). Collection method: clinical testing. Allele origin: germline.
Comment: In summary, the available evidence is currently insufficient to determine the role of this variant in disease. Therefore, it has been classified as a Variant of Uncertain Significance. Advanced modeling of protein sequence and biophysical properties (such as structural, functional, and spatial information, amino acid conservation, physicochemical variation, residue mobility, and thermodynamic stability) performed at Invitae indicates that this missense variant is not expected to disrupt LRP2 protein function. This variant has not been reported in the literature in individuals affected with LRP2-related conditions. This variant is present in population databases (no rsID available, gnomAD 0.003%). This sequence change replaces threonine, which is neutral and polar, with serine, which is neutral and polar, at codon 2744 of the LRP2 protein (p.Thr2744Ser).

NM_004525.3(LRP2):c.8230A>T (p.Thr2744Ser)

Gene: LRP2 (LDL receptor related protein 2; minus strand). Cytogenetic location: 2q31.1.
Variant type: single nucleotide variant.
Coding change: c.8230A>T on transcript NM_004525.3 (MANE Select); coding-DNA position 8230, A replaced by T.
Protein change: p.Thr2744Ser; replaces threonine 2744 with serine.
Molecular consequence: missense variant.
Genome position (GRCh38, 1-based): chr2:169,201,850, T>A on the plus strand (A>T on the coding strand, the complement: LRP2 is on the minus strand). VCF-style: chr2-169201850-T-A. GRCh37 (hg19) VCF-style: chr2-170058360-T-A.
Other names: short protein forms T2744S.
Identifiers: ClinVar variation 1905940 (VCV001905940.4), dbSNP rs1167229202, ClinGen allele CA349165796.